The following is an entry in ClinVar:

NM_000091.5(COL4A3):c.*2059C>G

Genes: COL4A3 (collagen type IV alpha 3 chain; plus strand), MFF-DT (MFF divergent transcript; minus strand). Cytogenetic location: 2q36.3.
Variant type: single nucleotide variant.
Coding change: c.*2059C>G on transcript NM_000091.5 (MANE Select); 2059 bases downstream of the stop codon, C replaced by G.
Molecular consequence: 3 prime UTR variant.
Genome position (GRCh38, 1-based): chr2:227,313,929, C>G. VCF-style: chr2-227313929-C-G. GRCh37 (hg19) VCF-style: chr2-228178645-C-G.
Identifiers: ClinVar variation 334817 (VCV000334817.6), dbSNP rs4290648, ClinGen allele CA10614709.

ClinVar aggregate classification (germline): Benign. Review status: criteria provided, multiple submitters, no conflicts (2 of 4 stars). 2 submissions from 2 submitters: Benign (2). Last evaluated 2018-01-13.

Conditions:
Alport syndrome. Also called: Hemorrhagic familial nephritis; Hemorrhagic hereditary nephritis; Congenital hereditary hematuria. Identifiers: Orphanet 63, MedGen C1567741, MONDO:0018965.

Allele frequency attached by ClinVar (database versions not stated): 1000 Genomes Project 0.91613; 1000 Genomes Project 30x 0.91943; TOPMed 0.92625; gnomAD 0.92978 and 0.93201; gnomAD exomes 0.96667.
gnomAD v4.1: 141,547 of 152,266 alleles (93%); highest among the groups gnomAD compares: African/African-American, 97%; 65,840 homozygotes.

Submissions (2):

Illumina Laboratory Services, Illumina
Classification: Benign for Alport syndrome. Last evaluated: 2018-01-13. Review status: criteria provided, single submitter. Criteria: ICSL Variant Classification Criteria 13 December 2019. Collection method: clinical testing. Allele origin: germline.
Comment: This variant was observed in the ICSL laboratory as part of a predisposition screen in an ostensibly healthy population. It had not been previously curated by ICSL or reported in the Human Gene Mutation Database (HGMD: prior to June 1st, 2018), and was therefore a candidate for classification through an automated scoring system. Utilizing variant allele frequency, disease prevalence and penetrance estimates, and inheritance mode, an automated score was calculated to assess if this variant is too frequent to cause the disease. Based on the score and internal cut-off values, a variant classified as benign is not then subjected to further curation. The score for this variant resulted in a classification of benign for this disease.

Breakthrough Genomics
Classification: Benign. Review status: criteria provided, single submitter. Criteria: ACMG Guidelines, 2015. Collection method: not provided. Allele origin: germline. Inheritance: Autosomal recessive inheritance. Affected: yes.